The following is an entry in ClinVar:

ClinVar aggregate classification (germline): Likely pathogenic (0 of 4 stars; one submission).

Conditions:
Cerebral arteriopathy, autosomal dominant, with subcortical infarcts and leukoencephalopathy, type 1 (CADASIL1). Also called: Cerebral arteriopathy with subcortical infarcts and leukoencephalopathy 1; CADASIL 1; CASIL; DEMENTIA, HEREDITARY MULTIINFARCT TYPE. Identifiers: Orphanet 136, MedGen C4551768, MONDO:0000914, OMIM 125310.

Submission:

Istanbul Faculty of Medicine, Istanbul University
Classification: Likely pathogenic for Cerebral arteriopathy with subcortical infarcts and leukoencephalopathy 1. Last evaluated: 2020-08-26. Review status: no assertion criteria provided. Collection method: clinical testing. Allele origin: germline. Affected: yes. Observed: 2 variant alleles.
Comment: Identified in two affected siblings

Literature cited by the submitters: DOI 10.4274/tnd.2021.91298.

NM_000435.3(NOTCH3):c.382T>C (p.Cys128Arg)

Gene: NOTCH3 (notch receptor 3; minus strand). Cytogenetic location: 19p13.12.
Variant type: single nucleotide variant.
Coding change: c.382T>C on transcript NM_000435.3 (MANE Select); coding-DNA position 382, T replaced by C.
Protein change: p.Cys128Arg; replaces cysteine 128 with arginine.
Molecular consequence: missense variant.
Genome position (GRCh38, 1-based): chr19:15,192,257, A>G on the plus strand (T>C on the coding strand, the complement: NOTCH3 is on the minus strand). VCF-style: chr19-15192257-A-G. GRCh37 (hg19) VCF-style: chr19-15303068-A-G.
Other names: short protein forms C128R.
Identifiers: ClinVar variation 978701 (VCV000978701.5), dbSNP rs2046934971, ClinGen allele CA404534338.
Genomic context (GRCh38, chr19:15,192,257, plus strand): 5'-GTGGGCAGGAGCAGAGGAAGCGTCCATCGGGCCCCACTGAGCAGCGGGCACCGTGGGCAC[A>G]AGGGCTGCTGAGGCAGGGATCTGGCAGGGAGCAGTCAGGGCCTGGAGGGACCAGGACAGG-3'
Protein context (NP_000426.2, residues 118-138): SLPDPCLSSP[Cys128Arg]AHGARCSVGP